The following is an entry in ClinVar:

ClinVar aggregate classification (germline): Pathogenic. Review status: criteria provided, multiple submitters, no conflicts (2 of 4 stars). 4 submissions from 4 submitters: Pathogenic (3). 1 of the submissions does not count toward it. Last evaluated 2025-05-07.

Conditions:
SOX10-related disorder. Also called: SOX10-related condition.
Waardenburg syndrome type 2E (WS2E). Also called: WAARDENBURG SYNDROME, TYPE 2E, WITH OR WITHOUT NEUROLOGIC INVOLVEMENT; WS2E, WITH OR WITHOUT NEUROLOGIC INVOLVEMENT; HYPOGONADOTROPIC HYPOGONADISM WITH ANOSMIA AND DEAFNESS, WITH OR WITHOUT HYPOPIGMENTATION. Identifiers: Orphanet 3440, MedGen C2700405, MONDO:0012698, OMIM 611584.
Waardenburg syndrome type 4C (WS4C). Also called: WAARDENBURG SYNDROME WITH HIRSCHSPRUNG DISEASE, TYPE 4C. Identifiers: Orphanet 897, MedGen C2750452, MONDO:0013202, OMIM 613266.

Submissions (4):

GeneDx
Classification: Pathogenic. Last evaluated: 2025-05-07. Review status: criteria provided, single submitter. Criteria: GeneDx Variant Classification Process June 2021. Collection method: clinical testing. Allele origin: germline.
Comment: Nonsense variant predicted to result in protein truncation or nonsense mediated decay in a gene for which loss of function is a known mechanism of disease; Not observed at significant frequency in large population cohorts (gnomAD); This variant is associated with the following publications: (PMID: 36597107, 29419867, 36576601, 30628718, 34142234, 30936914)

Genetic Testing Center for Deafness, Department of Otolaryngology Head & Neck Surgery, Institute of Otolaryngology, Chinese PLA General Hospital
Classification: Pathogenic for Waardenburg syndrome type 2E. Last evaluated: 2019-01-01. Review status: criteria provided, single submitter. Criteria: ACMG Guidelines, 2015. Collection method: clinical testing. Allele origin: de novo. Affected: yes.

Center for Human Genetics, Inc
Classification: Pathogenic for Waardenburg syndrome type 4C. Last evaluated: 2016-11-01. Review status: criteria provided, single submitter. Criteria: ACMG Guidelines, 2015. Collection method: clinical testing. Allele origin: germline. Affected: yes.

PreventionGenetics, part of Exact Sciences
Classification: Pathogenic for SOX10-related condition. Last evaluated: 2023-10-27. Review status: no assertion criteria provided. Collection method: clinical testing. Allele origin: germline. Not counted in ClinVar's aggregate classification.
Comment: The SOX10 c.127C>T variant is predicted to result in premature protein termination (p.Arg43*). This variant was reported as de novo in at least one patient with Waardenburg syndrome (Li. 2019. PubMed ID: 30936914; Wang. 2021. PubMed ID: 34142234; Li. 2022. PubMed ID: 36576601). This variant has not been reported in a large population database, indicating this variant is rare. Nonsense variants in SOX10 are expected to be pathogenic. This variant is interpreted as pathogenic.

NM_006941.4(SOX10):c.127C>T (p.Arg43Ter)

Genes: POLR2F (RNA polymerase II, I and III subunit F; plus strand), SOX10 (SRY-box transcription factor 10; minus strand). Cytogenetic location: 22q13.1.
Variant type: single nucleotide variant.
Coding change: c.127C>T on transcript NM_006941.4 (MANE Select); coding-DNA position 127, C replaced by T.
Protein change: p.Arg43Ter; replaces arginine 43 with a stop codon.
Molecular consequence: nonsense. On other transcripts: intron variant (3).
Genome position (GRCh38, 1-based): chr22:37,983,658, G>A on the plus strand (C>T on the coding strand, the complement: SOX10 is on the minus strand). VCF-style: chr22-37983658-G-A. GRCh37 (hg19) VCF-style: chr22-38379665-G-A.
Other names: c.*38+11348G>A (NM_001363825.1); c.294-2496G>A (NM_001301130.2); c.293+16488G>A (NM_001301131.2); short protein forms R43*.
Identifiers: ClinVar variation 547774 (VCV000547774.7), dbSNP rs1555939523, ClinGen allele CA411502024.